The following is an entry in ClinVar:

ClinVar aggregate classification (germline): Conflicting classifications of pathogenicity. Review status: criteria provided, conflicting classifications (1 of 4 stars). 3 submissions from 3 submitters: Uncertain significance (2); Likely benign (1). Last evaluated 2026-07-20.

Conditions:
Inborn genetic diseases. Identifiers: MedGen C0950123, MeSH D030342.

gnomAD v4.1: 3 of 1,209,379 alleles (0.00025%); highest among the groups gnomAD compares: Admixed American, 0.0066%; no homozygotes.

Submissions (3):

Ambry Genetics
Classification: Uncertain significance for Inborn genetic diseases. Last evaluated: 2026-07-20. Review status: criteria provided, single submitter. Criteria: Ambry Variant Classification Scheme 2023. Collection method: clinical testing. Allele origin: germline.

CeGaT Center for Human Genetics Tuebingen
Classification: Likely benign. Last evaluated: 2025-10-01. Review status: criteria provided, single submitter. Criteria: CeGaT Center For Human Genetics Tuebingen Variant Classification Criteria Version 2. Collection method: clinical testing. Allele origin: germline. Affected: yes. Observed: 1 variant allele.
Comment: CLCN5: PP2, PP3, BS2

Labcorp Genetics (formerly Invitae), Labcorp
Classification: Uncertain significance. Last evaluated: 2024-06-07. Review status: criteria provided, single submitter. Criteria: Invitae Variant Classification Sherloc (09022015). Collection method: clinical testing. Allele origin: germline.
Comment: This sequence change replaces leucine, which is neutral and non-polar, with phenylalanine, which is neutral and non-polar, at codon 532 of the CLCN5 protein (p.Leu532Phe). This variant is not present in population databases (gnomAD no frequency). This variant has not been reported in the literature in individuals affected with CLCN5-related conditions. An algorithm developed to predict the effect of missense changes on protein structure and function (PolyPhen-2) suggests that this variant is likely to be disruptive. In summary, the available evidence is currently insufficient to determine the role of this variant in disease. Therefore, it has been classified as a Variant of Uncertain Significance.

NM_001127898.4(CLCN5):c.1806A>T (p.Leu602Phe)

Genes: CLCN5 (Cl-/H+ antiporter 5; plus strand), LOC126863258 (BRD4-independent group 4 enhancer GRCh37_chrX:49854497-49855696; plus strand). Cytogenetic location: Xp11.23.
Variant type: single nucleotide variant.
Coding change: c.1806A>T on transcript NM_001127898.4 (MANE Select); coding-DNA position 1806, A replaced by T.
Protein change: p.Leu602Phe; replaces leucine 602 with phenylalanine.
Molecular consequence: missense variant.
Genome position (GRCh38, 1-based): chrX:50,090,177, A>T. VCF-style: chrX-50090177-A-T. GRCh37 (hg19) VCF-style: chrX-49854834-A-T.
Other names: c.1596A>T, p.Leu532Phe (NM_000084.5); c.1806A>T, p.Leu602Phe (NM_001127899.4); c.1656A>T, p.Leu552Phe (NM_001282163.2); c.1596A>T (NM_000084.2); short protein forms L602F, L552F, L532F.
Identifiers: ClinVar variation 3679130 (VCV003679130.9).